The following is an entry in ClinVar:

NM_000380.4(XPA):c.130_133dup (p.Ala45fs)

Gene: XPA (XPA, DNA damage recognition and repair factor; minus strand). Cytogenetic location: 9q22.33.
Variant type: Microsatellite.
Coding change: c.130_133dup on transcript NM_000380.4 (MANE Select); coding-DNA positions 130 to 133, 4 bases duplicated (GCTG; older notation c.130_133dupGCTG).
Protein change: p.Ala45fs; shifts the reading frame from alanine 45.
Molecular consequence: frameshift variant. On other transcripts: 5 prime UTR variant (1), non-coding transcript variant (5).
Genome position (GRCh38, 1-based): chr9:97,697,160-97,697,163, CAGC duplicated on the plus strand (GCTG on the coding strand, the reverse complement: XPA is on the minus strand); duplicating any 4 consecutive bases within chr9:97,697,160-97,697,168 gives the same sequence; the c. name uses the placement nearest the transcript's 3' end. VCF-style (leftmost placement, unchanged base first): chr9-97697159-G-GCAGC. GRCh37 (hg19) VCF-style: chr9-100459441-G-GCAGC.
Other names: c.-1024GCTG[3] (NM_001354975.2); short protein forms A45fs.
Identifiers: ClinVar variation 5007479 (VCV005007479.2).

ClinVar aggregate classification (germline): Likely pathogenic (1 of 4 stars; one submission).

Conditions:
Xeroderma pigmentosum group A (XPA). Also called: Xeroderma pigmentosum, complementation group A; XP, group A; XPA-Related Xeroderma Pigmentosum. Identifiers: Orphanet 910, MedGen C0268135, MONDO:0010210, OMIM 278700.

Submission:

Juno Genomics, Hangzhou Juno Genomics, Inc
Classification: Likely pathogenic for Xeroderma pigmentosum group A. Review status: criteria provided, single submitter. Criteria: ACMG Guidelines, 2015. Collection method: clinical testing. Allele origin: germline.
Comment: Null variant in a gene where loss of function (LOF) is a known mechanism of disease.;Absent from controls (or at extremely low frequency if recessive) in Genome Aggregation Database.